The following is an entry in ClinVar:

ClinVar aggregate classification (germline): Uncertain significance. Review status: criteria provided, multiple submitters, no conflicts (2 of 4 stars). 5 submissions from 5 submitters: Uncertain significance (5). Last evaluated 2025-05-13.

Conditions:
Hereditary cancer-predisposing syndrome. Also called: Hereditary neoplastic syndrome; Neoplastic Syndromes, Hereditary; Tumor predisposition; Hereditary Cancer Syndrome. Identifiers: Orphanet 140162, MedGen C0027672, MeSH D009386, MONDO:0015356.
Familial cancer of breast. Also called: Hereditary breast cancer; BREAST CANCER, FAMILIAL; hereditary breast carcinoma. Identifiers: Orphanet 227535, MedGen C0346153, MONDO:0016419, OMIM 114480. Disease mechanism: loss of function.

gnomAD v4.1: 1 of 1,583,258 alleles (0.000063%); highest among the groups gnomAD compares: Non-Finnish European, 0.000086%; no homozygotes.

Submissions (5):

Labcorp Genetics (formerly Invitae), Labcorp
Classification: Uncertain significance for Familial cancer of breast. Last evaluated: 2025-05-13. Review status: criteria provided, single submitter. Criteria: Invitae Variant Classification Sherloc (09022015). Collection method: clinical testing. Allele origin: germline.
Comment: This sequence change replaces arginine, which is basic and polar, with threonine, which is neutral and polar, at codon 13 of the BARD1 protein (p.Arg13Thr). This variant is not present in population databases (gnomAD no frequency). This variant has not been reported in the literature in individuals affected with BARD1-related conditions. ClinVar contains an entry for this variant (Variation ID: 422727). An algorithm developed to predict the effect of missense changes on protein structure and function outputs the following: PolyPhen-2: "Benign". The threonine amino acid residue is found in multiple mammalian species, which suggests that this missense change does not adversely affect protein function. In summary, the available evidence is currently insufficient to determine the role of this variant in disease. Therefore, it has been classified as a Variant of Uncertain Significance.

Ambry Genetics
Classification: Uncertain significance for Hereditary cancer-predisposing syndrome. Last evaluated: 2025-04-12. Review status: criteria provided, single submitter. Criteria: Ambry Variant Classification Scheme 2023. Collection method: clinical testing. Allele origin: germline.
Comment: The p.R13T variant (also known as c.38G>C), located in coding exon 1 of the BARD1 gene, results from a G to C substitution at nucleotide position 38. The arginine at codon 13 is replaced by threonine, an amino acid with similar properties. This amino acid position is not well conserved in available vertebrate species, and threonine is the reference amino acid in other vertebrate species. In addition, this alteration is predicted to be tolerated by in silico analysis. Since supporting evidence is limited at this time, the clinical significance of this alteration remains unclear.

ARUP Laboratories, Molecular Genetics and Genomics, ARUP Laboratories
Classification: Uncertain significance for Familial cancer of breast. Last evaluated: 2024-05-08. Review status: criteria provided, single submitter. Criteria: ARUP Molecular Germline Variant Investigation Process 2024. Collection method: clinical testing. Allele origin: germline.
Comment: The BARD1 c.38G>C; p.Arg13Thr variant (rs587781713), to our knowledge, is not reported in the medical literature but is reported in ClinVar (Variation ID: 422727). This variant is absent from the Genome Aggregation Database (v2.1.1), indicating it is not a common polymorphism. Computational analyses are uncertain whether this variant is neutral or deleterious (REVEL: 0.195). Due to limited information, the clinical significance of this variant is uncertain at this time.

Quest Diagnostics Nichols Institute San Juan Capistrano
Classification: Uncertain significance. Last evaluated: 2023-07-12. Review status: criteria provided, single submitter. Criteria: Quest Diagnostics criteria. Collection method: clinical testing. Allele origin: unknown.
Comment: This variant has not been reported in the published literature. It also has not been reported in large, multi-ethnic general populations (Genome Aggregation Database). Analysis of this variant using bioinformatics tools for the prediction of the effect of amino acid changes on protein structure and function yielded predictions that this variant is benign. Based on the available information, we are unable to determine the clinical significance of this variant.

GeneDx
Classification: Uncertain significance. Last evaluated: 2016-11-09. Review status: criteria provided, single submitter. Criteria: GeneDx Variant Classification (06012015). Collection method: clinical testing. Allele origin: germline. Affected: yes.
Comment: This variant is denoted BARD1 c.38G>C at the cDNA level, p.Arg13Thr (R13T) at the protein level, and results in the change of an Arginine to a Threonine (AGG>ACG). This variant has not, to our knowledge, been published in the literature as pathogenic or benign. BARD1 Arg13Thr was not observed in approximately 6,500 individuals of European and African American ancestry in the NHLBI Exome Sequencing Project, suggesting it is not a common benign variant in these populations. Since Arginine and Threonine differ in some properties, this is considered a semi-conservative amino acid substitution. BARD1 Arg13Thr occurs at a position where amino acids with properties similar to Arginine are tolerated across species and is not located in a known functional domain (UniProt). In silico analyses are inconsistent regarding the effect this variant may have on protein structure and function. Based on currently available evidence, it is unclear whether BARD1 Arg13Thr is a pathogenic or benign variant. We consider it to be a variant of uncertain significance.

NM_000465.4(BARD1):c.38G>C (p.Arg13Thr)

Gene: BARD1 (BRCA1 associated RING domain 1; minus strand). Cytogenetic location: 2q35.
Variant type: single nucleotide variant.
Coding change: c.38G>C on transcript NM_000465.4 (MANE Select); coding-DNA position 38, G replaced by C.
Protein change: p.Arg13Thr; replaces arginine 13 with threonine.
Molecular consequence: missense variant. On other transcripts: non-coding transcript variant (3).
Genome position (GRCh38, 1-based): chr2:214,809,532, C>G on the plus strand (G>C on the coding strand, the complement: BARD1 is on the minus strand). VCF-style: chr2-214809532-C-G. GRCh37 (hg19) VCF-style: chr2-215674256-C-G.
Other names: c.38G>C, p.Arg13Thr (NM_001282543.2, NM_001282545.2, NM_001282548.2 and 1 more transcripts); short protein forms R13T.
Identifiers: ClinVar variation 422727 (VCV000422727.21), dbSNP rs587781713, ClinGen allele CA16617463.